The following is an entry in ClinVar:

NM_030665.4(RAI1):c.3446G>A (p.Arg1149His)

Gene: RAI1 (retinoic acid induced 1; plus strand). Cytogenetic location: 17p11.2.
Variant type: single nucleotide variant.
Coding change: c.3446G>A on transcript NM_030665.4 (MANE Select); coding-DNA position 3446, G replaced by A.
Protein change: p.Arg1149His; replaces arginine 1149 with histidine.
Molecular consequence: missense variant.
Genome position (GRCh38, 1-based): chr17:17,796,394, G>A. VCF-style: chr17-17796394-G-A. GRCh37 (hg19) VCF-style: chr17-17699708-G-A.
Other names: short protein forms R1149H.
Identifiers: ClinVar variation 2211767 (VCV002211767.5), dbSNP rs772669262, ClinGen allele CA8418724.
Genomic context (GRCh38, chr17:17,796,394, plus strand): 5'-AGGAGACAGACTCACCCAGCACGCCTGGCAAGGACCAGCGCTCCATGATCCTTCGGTCAC[G>A]CACCAAAACCCAGGAGATCTTCCACTCCAAGCGGCGGAGGCCCTCTGAGGGCCGGCTCCC-3'
Protein context (NP_109590.3, residues 1139-1159): KDQRSMILRS[Arg1149His]TKTQEIFHSK

ClinVar aggregate classification (germline): Conflicting classifications of pathogenicity. Review status: criteria provided, conflicting classifications (1 of 4 stars). 2 submissions from 2 submitters: Uncertain significance (1); Likely benign (1). Last evaluated 2025-03-16.

Conditions:
Inborn genetic diseases. Identifiers: MedGen C0950123, MeSH D030342.

Allele frequency attached by ClinVar (database versions not stated): ExAC 0.00002.
gnomAD v4.1: 20 of 1,613,656 alleles (0.0012%); highest among the groups gnomAD compares: Non-Finnish European, 0.0016%; no homozygotes.

Submissions (2):

Labcorp Genetics (formerly Invitae), Labcorp
Classification: Uncertain significance. Last evaluated: 2025-03-16. Review status: criteria provided, single submitter. Criteria: Invitae Variant Classification Sherloc (09022015). Collection method: clinical testing. Allele origin: germline.
Comment: This sequence change replaces arginine, which is basic and polar, with histidine, which is basic and polar, at codon 1149 of the RAI1 protein (p.Arg1149His). This variant is present in population databases (rs772669262, gnomAD 0.004%). This variant has not been reported in the literature in individuals affected with RAI1-related conditions. ClinVar contains an entry for this variant (Variation ID: 2211767). Invitae Evidence Modeling of protein sequence and biophysical properties (such as structural, functional, and spatial information, amino acid conservation, physicochemical variation, residue mobility, and thermodynamic stability) has been performed for this missense variant. However, the output from this modeling did not meet the statistical confidence thresholds required to predict the impact of this variant on RAI1 protein function. In summary, the available evidence is currently insufficient to determine the role of this variant in disease. Therefore, it has been classified as a Variant of Uncertain Significance.

Ambry Genetics
Classification: Likely benign for Inborn genetic diseases. Last evaluated: 2022-10-25. Review status: criteria provided, single submitter. Criteria: Ambry Variant Classification Scheme 2023. Collection method: clinical testing. Allele origin: germline.